The following is an entry in ClinVar:

NM_000263.4(NAGLU):c.264dup (p.Leu89fs)

Genes: NAGLU (N-acetyl-alpha-glucosaminidase; plus strand), LOC130060903 (ATAC-STARR-seq lymphoblastoid silent region 8533; plus strand). Cytogenetic location: 17q21.2.
Variant type: Duplication.
Coding change: c.264dup on transcript NM_000263.4 (MANE Select); coding-DNA position 264, one base duplicated (G; older notation c.264dupG).
Protein change: p.Leu89fs; shifts the reading frame from leucine 89.
Molecular consequence: frameshift variant.
Genome position (GRCh38, 1-based): chr17:42,536,536, G duplicated; the last of 4 consecutive G bases (chr17:42,536,533-42,536,536); duplicating any one gives the same sequence. VCF-style (leftmost placement, unchanged base first): chr17-42536532-C-CG. GRCh37 (hg19) VCF-style: chr17-40688550-C-CG.
Other names: short protein forms L89fs.
Identifiers: ClinVar variation 5011920 (VCV005011920.1).
Genomic context (GRCh38, chr17:42,536,532, plus strand): 5'-TGGGCGGCGGCGGCGCGGCGCGCGTGCGGGTGCGCGGCTCCACGGGCGTGGCGGCCGCCG[C>CG]GGGGCTGCACCGCTACCTGCGCGACTTCTGTGGCTGCCACGTGGCCTGGTCCGGCTCTCA-3'

ClinVar aggregate classification (germline): Pathogenic (1 of 4 stars; one submission).

Conditions:
Mucopolysaccharidosis, MPS-III-B (MPS3B). Also called: N-ACETYL-ALPHA-D-GLUCOSAMINIDASE DEFICIENCY; NAGLU DEFICIENCY; SANFILIPPO SYNDROME B; MPS III B; MUCOPOLYSACCHARIDOSIS, TYPE IIIB; Mucopolysaccharidosis type IIIB (Sanfilippo B). Identifiers: Orphanet 79270, MedGen C0086648, MONDO:0009656, OMIM 252920.

Submission:

Myriad Genetics, Inc.
Classification: Pathogenic for Mucopolysaccharidosis, MPS-III-B. Last evaluated: 2023-09-27. Review status: criteria provided, single submitter. Criteria: Myriad Autosomal Dominant, Autosomal Recessive and X-Linked Classification Criteria (2023). Collection method: clinical testing. Allele origin: unknown.
Comment: NM_000263.3(NAGLU):c.264dupG(L89Afs*103) is expected to be pathogenic in the context of mucopolysaccharidosis type IIIB. This variant is predicted to lead to an abnormal or absent protein product due to the creation of a premature termination codon in NAGLU, a gene where loss-of-function variants are known to be pathogenic. Please note: this variant was assessed in the context of healthy population screening.